The following is an entry in ClinVar:

NM_018012.4(KIF26B):c.1910C>T (p.Thr637Met)

Gene: KIF26B (kinesin family member 26B; plus strand). Cytogenetic location: 1q44.
Variant type: single nucleotide variant.
Coding change: c.1910C>T on transcript NM_018012.4 (MANE Select); coding-DNA position 1910, C replaced by T.
Protein change: p.Thr637Met; replaces threonine 637 with methionine.
Molecular consequence: missense variant.
Genome position (GRCh38, 1-based): chr1:245,609,524, C>T. VCF-style: chr1-245609524-C-T. GRCh37 (hg19) VCF-style: chr1-245772826-C-T.
Other names: short protein forms T637M.
Identifiers: ClinVar variation 3053831 (VCV003053831.2), dbSNP rs149117112, ClinGen allele CA1487812.
Genomic context (GRCh38, chr1:245,609,524, plus strand): 5'-GCAGCCTGCAGGACGGCCAGTCCCCGGGCGTGTACCTCTGTGAGGACCCCATCTGCGGCA[C>T]GCAGGTGATTGCTTCTGAAGCCTGGCTCGCCCCAAGGTGGCTCCCTCCCCACCTCAGAGG-3'
Protein context (NP_060482.2, residues 627-647): VYLCEDPICG[Thr637Met]QLQNQSELRA

ClinVar aggregate classification (germline): Benign (0 of 4 stars; one submission).

Conditions:
KIF26B-related disorder. Also called: KIF26B-related condition.

Allele frequency attached by ClinVar (database versions not stated): ExAC 0.00144; ESP Exome Variant Server 0.00272; 1000 Genomes Project 0.00280; 1000 Genomes Project 30x 0.00328; gnomAD 0.00332; TOPMed 0.00386.
gnomAD v4.1: 898 of 1,540,752 alleles (0.058%); highest among the groups gnomAD compares: African/African-American, 1.1%; 1 homozygote.

Submission:

PreventionGenetics, part of Exact Sciences
Classification: Benign for KIF26B-related condition. Last evaluated: 2020-01-03. Review status: no assertion criteria provided. Collection method: clinical testing. Allele origin: germline.
Comment: This variant is classified as benign based on ACMG/AMP sequence variant interpretation guidelines (Richards et al. 2015 PMID: 25741868, with internal and published modifications).